The following is an entry in ClinVar:

ClinVar aggregate classification (germline): Uncertain significance (1 of 4 stars; one submission).

Conditions:
Inborn genetic diseases. Identifiers: MedGen C0950123, MeSH D030342.

Submission:

Ambry Genetics
Classification: Uncertain significance for Inborn genetic diseases. Last evaluated: 2025-03-10. Review status: criteria provided, single submitter. Criteria: Ambry Variant Classification Scheme 2023. Collection method: clinical testing. Allele origin: germline.
Comment: The p.I202M variant (also known as c.606A>G), located in coding exon 4 of the ERCC6L2 gene, results from an A to G substitution at nucleotide position 606. The isoleucine at codon 202 is replaced by methionine, an amino acid with highly similar properties. This amino acid position is conserved. In addition, this alteration is predicted to be deleterious by in silico analysis. Based on the available evidence, the clinical significance of this variant remains unclear.

NM_020207.7(ERCC6L2):c.606A>G (p.Ile202Met)

Gene: ERCC6L2 (ERCC excision repair 6 like 2; plus strand). Cytogenetic location: 9q22.32.
Variant type: single nucleotide variant.
Coding change: c.606A>G on transcript NM_020207.7 (MANE Select); coding-DNA position 606, A replaced by G.
Protein change: p.Ile202Met; replaces isoleucine 202 with methionine.
Molecular consequence: missense variant. On other transcripts: non-coding transcript variant (1).
Genome position (GRCh38, 1-based): chr9:95,907,089, A>G. VCF-style: chr9-95907089-A-G. GRCh37 (hg19) VCF-style: chr9-98669371-A-G.
Other names: c.606A>G, p.Ile202Met (NM_001010895.4, NM_001375291.1, NM_001375292.1 and 2 more transcripts); short protein forms I202M.
Identifiers: ClinVar variation 3845990 (VCV003845990.1).